The following is an entry in ClinVar:

ClinVar aggregate classification (germline): Uncertain significance (1 of 4 stars; one submission).

Conditions:
Atrial fibrillation, familial, 18 (ATFB18). Identifiers: MedGen C4310636, MONDO:0015001, OMIM 617280.

Allele frequency attached by ClinVar (database versions not stated): TOPMed below 0.00001; ExAC 0.00001; gnomAD 0.00001.
gnomAD v4.1: 5 of 1,614,068 alleles (0.00031%); highest among the groups gnomAD compares: Admixed American, 0.0033%; no homozygotes.

Submission:

Labcorp Genetics (formerly Invitae), Labcorp
Classification: Uncertain significance for Atrial fibrillation, familial, 18. Last evaluated: 2022-07-24. Review status: criteria provided, single submitter. Criteria: Invitae Variant Classification Sherloc (09022015). Collection method: clinical testing. Allele origin: germline.
Comment: In summary, the available evidence is currently insufficient to determine the role of this variant in disease. Therefore, it has been classified as a Variant of Uncertain Significance. Algorithms developed to predict the effect of sequence changes on RNA splicing suggest that this variant may create or strengthen a splice site. Algorithms developed to predict the effect of missense changes on protein structure and function are either unavailable or do not agree on the potential impact of this missense change (SIFT: "Deleterious"; PolyPhen-2: "Benign"; Align-GVGD: "Class C0"). This variant has not been reported in the literature in individuals affected with MYL4-related conditions. This variant is present in population databases (rs771875522, gnomAD 0.0009%). This sequence change replaces lysine, which is basic and polar, with arginine, which is basic and polar, at codon 42 of the MYL4 protein (p.Lys42Arg).

NM_002476.2(MYL4):c.125A>G (p.Lys42Arg)

Gene: MYL4 (myosin light chain 4; plus strand). Cytogenetic location: 17q21.32.
Variant type: single nucleotide variant.
Coding change: c.125A>G on transcript NM_002476.2 (MANE Select); coding-DNA position 125, A replaced by G.
Protein change: p.Lys42Arg; replaces lysine 42 with arginine.
Molecular consequence: missense variant.
Genome position (GRCh38, 1-based): chr17:47,209,547, A>G. VCF-style: chr17-47209547-A-G. GRCh37 (hg19) VCF-style: chr17-45286913-A-G.
Other names: c.125A>G, p.Lys42Arg (NM_001002841.2); short protein forms K42R.
Identifiers: ClinVar variation 1983559 (VCV001983559.4), dbSNP rs771875522, ClinGen allele CA8622573.